The following is an entry in ClinVar:

ClinVar aggregate classification (germline): Uncertain significance (1 of 4 stars; one submission).

Submissions (2):

GeneDx
Classification: Uncertain significance. Last evaluated: 2025-04-28. Review status: criteria provided, single submitter. Criteria: GeneDx Variant Classification Process June 2021. Collection method: clinical testing. Allele origin: germline. Affected: yes.
Comment: Not observed at significant frequency in large population cohorts (gnomAD); In silico analysis supports a deleterious effect on splicing; Has not been previously published as pathogenic or benign to our knowledge

Dr. Peter K. Rogan Lab, Western University
No classification provided (evidence only). Condition: Ovarian serous cystadenocarcinoma. Review status: no classification provided. Collection method: in vitro. Allele origin: not applicable. Functional consequence: retained intron. Not counted in ClinVar's aggregate classification.

NM_000786.4(CYP51A1):c.890+5G>T

Gene: CYP51A1 (cytochrome P450 family 51 subfamily A member 1; minus strand). Cytogenetic location: 7q21.2.
Variant type: single nucleotide variant.
Coding change: c.890+5G>T on transcript NM_000786.4 (MANE Select); 5 bases into the intron after coding-DNA position 890, G replaced by T.
Molecular consequence: intron variant.
Genome position (GRCh38, 1-based): chr7:92,123,729, C>A on the plus strand (G>T on the coding strand, the complement: CYP51A1 is on the minus strand). VCF-style: chr7-92123729-C-A. GRCh37 (hg19) VCF-style: chr7-91753043-C-A.
Other names: NC_000007.13:g.91753043C>A; c.575+5G>T (NM_001146152.2).
Identifiers: ClinVar variation 4340557 (VCV004340557.2).